The following is an entry in ClinVar:

NM_025114.4(CEP290):c.6061C>T (p.Gln2021Ter)

Gene: CEP290 (centrosomal protein 290; minus strand). Cytogenetic location: 12q21.32.
Variant type: single nucleotide variant.
Coding change: c.6061C>T on transcript NM_025114.4 (MANE Select); coding-DNA position 6061, C replaced by T.
Protein change: p.Gln2021Ter; replaces glutamine 2021 with a stop codon.
Molecular consequence: nonsense.
Genome position (GRCh38, 1-based): chr12:88,068,596, G>A on the plus strand (C>T on the coding strand, the complement: CEP290 is on the minus strand). VCF-style: chr12-88068596-G-A. GRCh37 (hg19) VCF-style: chr12-88462373-G-A.
Other names: short protein forms Q2021*.
Identifiers: ClinVar variation 5014379 (VCV005014379.1).

ClinVar aggregate classification (germline): Pathogenic (1 of 4 stars; one submission).

Conditions:
CEP290-related ciliopathy. Also called: CEP290 ciliopathy. Identifiers: MedGen CN305601, MONDO:0100451.

Submission:

Myriad Genetics, Inc.
Classification: Pathogenic for CEP290-related ciliopathy. Last evaluated: 2025-05-04. Review status: criteria provided, single submitter. Criteria: Myriad Autosomal Dominant, Autosomal Recessive and X-Linked Classification Criteria (2023). Collection method: clinical testing. Allele origin: unknown.
Comment: NM_025114.3(CEP290):c.6061C>T(Q2021*) is expected to be pathogenic in the context of CEP290-related disorders. This variant is predicted to lead to an abnormal or absent protein product due to the creation of a premature termination codon in CEP290, a gene where loss-of-function variants are known to be pathogenic. Please note: this variant was assessed in the context of healthy population screening.